The following is an entry in ClinVar:

NM_198578.4(LRRK2):c.3701T>C (p.Ile1234Thr)

Gene: LRRK2 (leucine rich repeat kinase 2; plus strand). Cytogenetic location: 12q12.
Variant type: single nucleotide variant.
Coding change: c.3701T>C on transcript NM_198578.4 (MANE Select); coding-DNA position 3701, T replaced by C.
Protein change: p.Ile1234Thr; replaces isoleucine 1234 with threonine.
Molecular consequence: missense variant.
Genome position (GRCh38, 1-based): chr12:40,304,058, T>C. VCF-style: chr12-40304058-T-C. GRCh37 (hg19) VCF-style: chr12-40697860-T-C.
Other names: c.3701T>C (NM_198578.3); short protein forms I1234T.
Identifiers: ClinVar variation 2139344 (VCV002139344.6), dbSNP rs768958013, ClinGen allele CA6513983.

ClinVar aggregate classification (germline): Uncertain significance. Review status: criteria provided, multiple submitters, no conflicts (2 of 4 stars). 2 submissions from 2 submitters: Uncertain significance (2). Last evaluated 2022-11-10.

Conditions:
Autosomal dominant Parkinson disease 8. Also called: LRRK2-Related Parkinson Disease; Parkinson disease 8; Parkinson disease 8, susceptibility to. Identifiers: Orphanet 411602, MedGen C1846862, MONDO:0011764, OMIM 607060.
Inborn genetic diseases. Identifiers: MedGen C0950123, MeSH D030342.

Allele frequency attached by ClinVar (database versions not stated): ExAC 0.00002.
gnomAD v4.1: 5 of 1,613,718 alleles (0.00031%); highest among the groups gnomAD compares: Non-Finnish European, 0.00042%; no homozygotes.

Submissions (2):

Ambry Genetics
Classification: Uncertain significance for Inborn genetic diseases. Last evaluated: 2022-11-10. Review status: criteria provided, single submitter. Criteria: Ambry Variant Classification Scheme 2023. Collection method: clinical testing. Allele origin: germline.
Comment: The p.I1234T variant (also known as c.3701T>C), located in coding exon 27 of the LRRK2 gene, results from a T to C substitution at nucleotide position 3701. The isoleucine at codon 1234 is replaced by threonine, an amino acid with similar properties. This amino acid position is conserved. In addition, this alteration is predicted to be tolerated by in silico analysis. Since supporting evidence is limited at this time, the clinical significance of this alteration remains unclear.

Labcorp Genetics (formerly Invitae), Labcorp
Classification: Uncertain significance for Autosomal dominant Parkinson disease 8. Last evaluated: 2021-12-24. Review status: criteria provided, single submitter. Criteria: Invitae Variant Classification Sherloc (09022015). Collection method: clinical testing. Allele origin: germline.
Comment: This variant is present in population databases (rs768958013, gnomAD 0.003%). This sequence change replaces isoleucine, which is neutral and non-polar, with threonine, which is neutral and polar, at codon 1234 of the LRRK2 protein (p.Ile1234Thr). This variant has not been reported in the literature in individuals affected with LRRK2-related conditions. Algorithms developed to predict the effect of missense changes on protein structure and function output the following: SIFT: "Tolerated"; PolyPhen-2: "Benign"; Align-GVGD: "Class C0". The threonine amino acid residue is found in multiple mammalian species, which suggests that this missense change does not adversely affect protein function. In summary, the available evidence is currently insufficient to determine the role of this variant in disease. Therefore, it has been classified as a Variant of Uncertain Significance.